The following is an entry in ClinVar:

ClinVar aggregate classification (germline): Uncertain significance (1 of 4 stars; one submission).

Conditions:
Norman-Roberts syndrome (LIS2). Also called: Lissencephaly 2 (Norman-Roberts type). Identifiers: Orphanet 89844, MedGen C0796089, MONDO:0009760, OMIM 257320.
Familial temporal lobe epilepsy 7. Identifiers: Orphanet 101046, MedGen C4225327, MONDO:0014639, OMIM 616436.

Allele frequency attached by ClinVar (database versions not stated): gnomAD exomes below 0.00001; TOPMed 0.00001.
gnomAD v4.1: 3 of 1,570,234 alleles (0.00019%); highest among the groups gnomAD compares: Middle Eastern, 0.034%; no homozygotes.

Submission:

Labcorp Genetics (formerly Invitae), Labcorp
Classification: Uncertain significance for Familial temporal lobe epilepsy 7; Norman-Roberts syndrome. Last evaluated: 2022-09-07. Review status: criteria provided, single submitter. Criteria: Invitae Variant Classification Sherloc (09022015). Collection method: clinical testing. Allele origin: germline.
Comment: This sequence change replaces threonine, which is neutral and polar, with alanine, which is neutral and non-polar, at codon 1526 of the RELN protein (p.Thr1526Ala). This variant is not present in population databases (gnomAD no frequency). This variant has not been reported in the literature in individuals affected with RELN-related conditions. ClinVar contains an entry for this variant (Variation ID: 1391805). Algorithms developed to predict the effect of missense changes on protein structure and function output the following: SIFT: "Tolerated"; PolyPhen-2: "Benign"; Align-GVGD: "Class C0". The alanine amino acid residue is found in multiple mammalian species, which suggests that this missense change does not adversely affect protein function. In summary, the available evidence is currently insufficient to determine the role of this variant in disease. Therefore, it has been classified as a Variant of Uncertain Significance.

NM_005045.4(RELN):c.4576A>G (p.Thr1526Ala)

Gene: RELN (reelin; minus strand). Cytogenetic location: 7q22.1.
Variant type: single nucleotide variant.
Coding change: c.4576A>G on transcript NM_005045.4 (MANE Select); coding-DNA position 4576, A replaced by G.
Protein change: p.Thr1526Ala; replaces threonine 1526 with alanine.
Molecular consequence: missense variant.
Genome position (GRCh38, 1-based): chr7:103,572,196, T>C on the plus strand (A>G on the coding strand, the complement: RELN is on the minus strand). VCF-style: chr7-103572196-T-C. GRCh37 (hg19) VCF-style: chr7-103212643-T-C.
Other names: c.4576A>G, p.Thr1526Ala (NM_173054.3); short protein forms T1526A.
Identifiers: ClinVar variation 1391805 (VCV001391805.8), dbSNP rs1393256777, ClinGen allele CA368749906.